The following is an entry in ClinVar:

NM_000388.4(CASR):c.1496A>C (p.Glu499Ala)

Gene: CASR (calcium sensing receptor; plus strand). Cytogenetic location: 3q21.1.
Variant type: single nucleotide variant.
Coding change: c.1496A>C on transcript NM_000388.4 (MANE Select); coding-DNA position 1496, A replaced by C.
Protein change: p.Glu499Ala; replaces glutamic acid 499 with alanine.
Molecular consequence: missense variant.
Genome position (GRCh38, 1-based): chr3:122,275,930, A>C. VCF-style: chr3-122275930-A-C. GRCh37 (hg19) VCF-style: chr3-121994777-A-C.
Other names: c.1496A>C, p.Glu499Ala (NM_001178065.2); short protein forms E499A.
Identifiers: ClinVar variation 864190 (VCV000864190.12), dbSNP rs1471885969, ClinGen allele CA354155225.

ClinVar aggregate classification (germline): Uncertain significance. Review status: criteria provided, multiple submitters, no conflicts (2 of 4 stars). 2 submissions from 2 submitters: Uncertain significance (2). Last evaluated 2022-08-30.

Conditions:
Familial hypocalciuric hypercalcemia (FHH). Also called: Familial benign hypercalcemia. Identifiers: Orphanet 405, MedGen C1809471, MONDO:0018458.
Autosomal dominant hypocalcemia 1 (HYPOC1). Also called: HYPOCALCEMIA, FAMILIAL. Identifiers: MedGen C3715128, MONDO:0011013, OMIM 601198.
Nephrolithiasis/nephrocalcinosis. Identifiers: MedGen CN580796.

Submissions (2):

Ambry Genetics
Classification: Uncertain significance for Nephrolithiasis/nephrocalcinosis. Last evaluated: 2022-08-30. Review status: criteria provided, single submitter. Criteria: Ambry Variant Classification Scheme 2023. Collection method: clinical testing. Allele origin: germline.
Comment: The p.E499A variant (also known as c.1496A>C), located in coding exon 4 of the CASR gene, results from an A to C substitution at nucleotide position 1496. The glutamic acid at codon 499 is replaced by alanine, an amino acid with dissimilar properties. This amino acid position is conserved. In addition, the in silico prediction for this alteration is inconclusive. Since supporting evidence is limited at this time, the clinical significance of this alteration remains unclear.

Labcorp Genetics (formerly Invitae), Labcorp
Classification: Uncertain significance for Familial hypocalciuric hypercalcemia; Autosomal dominant hypocalcemia 1. Last evaluated: 2019-11-26. Review status: criteria provided, single submitter. Criteria: Invitae Variant Classification Sherloc (09022015). Collection method: clinical testing. Allele origin: germline.
Comment: This variant is not present in population databases (ExAC no frequency). This sequence change replaces glutamic acid with alanine at codon 499 of the CASR protein (p.Glu499Ala). The glutamic acid residue is highly conserved and there is a moderate physicochemical difference between glutamic acid and alanine. In summary, the available evidence is currently insufficient to determine the role of this variant in disease. Therefore, it has been classified as a Variant of Uncertain Significance. Algorithms developed to predict the effect of missense changes on protein structure and function are either unavailable or do not agree on the potential impact of this missense change (SIFT: "Deleterious"; PolyPhen-2: "Benign"; Align-GVGD: "Class C65"). This variant has not been reported in the literature in individuals with CASR-related conditions.